The following is an entry in ClinVar:

NM_001308093.3(GATA4):c.41C>T (p.Pro14Leu)

Gene: GATA4 (GATA binding protein 4). Cytogenetic location: 8p23.1.
Variant type: single nucleotide variant.
Coding change: c.41C>T on transcript NM_001308093.3 (MANE Select); coding-DNA position 41, C replaced by T.
Protein change: p.Pro14Leu; replaces proline 14 with leucine.
Molecular consequence: missense variant. On other transcripts: intron variant (3).
Genome position (GRCh38, 1-based): chr8:11,708,353, C>T. VCF-style: chr8-11708353-C-T. GRCh37 (hg19) VCF-style: chr8-11565862-C-T.
Other names: c.41C>T, p.Pro14Leu (NM_002052.5); c.-6+7575C>T (NM_001308094.2); c.-3+339C>T (NM_001374274.1); c.-3+4049C>T (NM_001374273.1); short protein forms P14L.
Identifiers: ClinVar variation 4076773 (VCV004076773.1).

ClinVar aggregate classification (germline): Uncertain significance (1 of 4 stars; one submission).

gnomAD v4.1: 2 of 1,583,044 alleles (0.00013%); highest among the groups gnomAD compares: South Asian, 0.0023%; no homozygotes.

Submission:

GeneDx
Classification: Uncertain significance. Last evaluated: 2025-02-20. Review status: criteria provided, single submitter. Criteria: GeneDx Variant Classification Process June 2021. Collection method: clinical testing. Allele origin: germline. Affected: yes.
Comment: Not observed at significant frequency in large population cohorts (gnomAD); In silico analysis supports that this missense variant has a deleterious effect on protein structure/function; Has not been previously published as pathogenic or benign to our knowledge